The following is an entry in ClinVar:

NM_002693.3(POLG):c.3145T>C (p.Trp1049Arg)

Gene: POLG (DNA polymerase gamma, catalytic subunit; minus strand). Cytogenetic location: 15q26.1.
Variant type: single nucleotide variant.
Coding change: c.3145T>C on transcript NM_002693.3 (MANE Select); coding-DNA position 3145, T replaced by C.
Protein change: p.Trp1049Arg; replaces tryptophan 1049 with arginine.
Molecular consequence: missense variant.
Genome position (GRCh38, 1-based): chr15:89,319,059, A>G on the plus strand (T>C on the coding strand, the complement: POLG is on the minus strand). VCF-style: chr15-89319059-A-G. GRCh37 (hg19) VCF-style: chr15-89862290-A-G.
Other names: c.3145T>C, p.Trp1049Arg (NM_001126131.2); short protein forms W1049R.
Identifiers: ClinVar variation 1717599 (VCV001717599.6), dbSNP rs1200244265, ClinGen allele CA393751042.

ClinVar aggregate classification (germline): Uncertain significance (1 of 4 stars; one submission).

Conditions:
Progressive sclerosing poliodystrophy (MTDPS4A). Also called: NEURONAL DEGENERATION OF CHILDHOOD WITH LIVER DISEASE, PROGRESSIVE; Alpers Syndrome; ALPERS DIFFUSE DEGENERATION OF CEREBRAL GRAY MATTER WITH HEPATIC CIRRHOSIS; Alpers-Huttenlocher Syndrome; Mitochondrial DNA Depletion Syndrome 4A; Alpers-Huttenlocher Syndrome (AHS). Identifiers: Orphanet 726, MedGen C0205710, MONDO:0008758, OMIM 203700.

Submission:

Labcorp Genetics (formerly Invitae), Labcorp
Classification: Uncertain significance for Progressive sclerosing poliodystrophy. Last evaluated: 2022-08-22. Review status: criteria provided, single submitter. Criteria: Invitae Variant Classification Sherloc (09022015). Collection method: clinical testing. Allele origin: germline.
Comment: This variant has not been reported in the literature in individuals affected with POLG-related conditions. In summary, the available evidence is currently insufficient to determine the role of this variant in disease. Therefore, it has been classified as a Variant of Uncertain Significance. Algorithms developed to predict the effect of missense changes on protein structure and function (SIFT, PolyPhen-2, Align-GVGD) all suggest that this variant is likely to be disruptive. This variant is not present in population databases (gnomAD no frequency). This sequence change replaces tryptophan, which is neutral and slightly polar, with arginine, which is basic and polar, at codon 1049 of the POLG protein (p.Trp1049Arg).